The following is an entry in ClinVar:

ClinVar aggregate classification (germline): Benign/Likely benign. Review status: criteria provided, multiple submitters, no conflicts (2 of 4 stars). 5 submissions from 5 submitters: Benign (2); Likely benign (3). Last evaluated 2026-01-14.

Conditions:
Polycystic liver disease 1 (PCLD1). Also called: Polycystic liver disease 1 with or without kidney cysts. Identifiers: Orphanet 2924, MedGen C0887850, MONDO:0008265, OMIM 174050.

Allele frequency attached by ClinVar (database versions not stated): 1000 Genomes Project 30x 0.00016; 1000 Genomes Project 0.00020; ESP Exome Variant Server 0.00054; TOPMed 0.00054; gnomAD exomes 0.00060; ExAC 0.00073; gnomAD 0.00074 and 0.00077.
gnomAD v4.1: 993 of 1,613,990 alleles (0.062%); highest among the groups gnomAD compares: Non-Finnish European, 0.068%; 5 homozygotes.

Submissions (5):

Labcorp Genetics (formerly Invitae), Labcorp
Classification: Benign. Last evaluated: 2026-01-14. Review status: criteria provided, single submitter. Criteria: Invitae Variant Classification Sherloc (09022015). Collection method: clinical testing. Allele origin: germline.

Blueprint Genetics
Classification: Likely benign. Last evaluated: 2024-10-18. Review status: criteria provided, single submitter. Criteria: ACMG Guidelines, 2015. Collection method: clinical testing. Allele origin: germline.

CeGaT Center for Human Genetics Tuebingen
Classification: Likely benign. Last evaluated: 2024-02-01. Review status: criteria provided, single submitter. Criteria: CeGaT Center For Human Genetics Tuebingen Variant Classification Criteria Version 2. Collection method: clinical testing. Allele origin: germline. Affected: yes. Observed: 1 variant allele.
Comment: PRKCSH: BP4, BP7, BS2

Fulgent Genetics
Classification: Likely benign for Polycystic liver disease 1. Last evaluated: 2021-09-25. Review status: criteria provided, single submitter. Criteria: ACMG Guidelines, 2015. Collection method: clinical testing. Allele origin: unknown.

Illumina Laboratory Services, Illumina
Classification: Benign for Polycystic liver disease 1. Last evaluated: 2018-01-12. Review status: criteria provided, single submitter. Criteria: ICSL Variant Classification Criteria 13 December 2019. Collection method: clinical testing. Allele origin: germline.
Comment: This variant was observed in the ICSL laboratory as part of a predisposition screen in an ostensibly healthy population. It had not been previously curated by ICSL or reported in the Human Gene Mutation Database (HGMD: prior to June 1st, 2018), and was therefore a candidate for classification through an automated scoring system. Utilizing variant allele frequency, disease prevalence and penetrance estimates, and inheritance mode, an automated score was calculated to assess if this variant is too frequent to cause the disease. Based on the score and internal cut-off values, a variant classified as benign is not then subjected to further curation. The score for this variant resulted in a classification of benign for this disease.

NM_001289104.2(PRKCSH):c.834C>T (p.Asp278=)

Gene: PRKCSH (PRKCSH beta subunit of glucosidase II; plus strand). Cytogenetic location: 19p13.2.
Variant type: single nucleotide variant.
Coding change: c.834C>T on transcript NM_001289104.2 (MANE Select); coding-DNA position 834, C replaced by T.
Protein change: p.Asp278=; no amino-acid change (aspartic acid 278 retained).
Molecular consequence: synonymous variant.
Genome position (GRCh38, 1-based): chr19:11,447,145, C>T. VCF-style: chr19-11447145-C-T. GRCh37 (hg19) VCF-style: chr19-11557960-C-T.
Other names: c.834C>T, p.Asp278= (NM_001001329.3, NM_001289102.2, NM_001289103.2 and 3 more transcripts).
Identifiers: ClinVar variation 328184 (VCV000328184.36), dbSNP rs139969239, ClinGen allele CA9213014.